The following is an entry in ClinVar:

ClinVar aggregate classification (germline): Uncertain significance. Review status: criteria provided, multiple submitters, no conflicts (2 of 4 stars). 2 submissions from 2 submitters: Uncertain significance (2). Last evaluated 2025-11-13.

Conditions:
Familial cancer of breast. Also called: BREAST CANCER, FAMILIAL; hereditary breast carcinoma; Hereditary breast cancer. Identifiers: Orphanet 227535, MedGen C0346153, MONDO:0016419, OMIM 114480. Disease mechanism: loss of function.
Fanconi anemia complementation group J. Also called: BRIP1-Related Fanconi Anemia. Identifiers: Orphanet 84, MedGen C1836860, MONDO:0012187, OMIM 609054.
Hereditary cancer-predisposing syndrome. Also called: Neoplastic Syndromes, Hereditary; Tumor predisposition; Hereditary neoplastic syndrome; Hereditary Cancer Syndrome. Identifiers: Orphanet 140162, MedGen C0027672, MeSH D009386, MONDO:0015356.

Submissions (2):

Labcorp Genetics (formerly Invitae), Labcorp
Classification: Uncertain significance for Familial cancer of breast; Fanconi anemia complementation group J. Last evaluated: 2025-11-13. Review status: criteria provided, single submitter. Criteria: Invitae Variant Classification Sherloc (09022015). Collection method: clinical testing. Allele origin: germline.
Comment: This sequence change replaces leucine, which is neutral and non-polar, with phenylalanine, which is neutral and non-polar, at codon 84 of the BRIP1 protein (p.Leu84Phe). This variant is not present in population databases (gnomAD no frequency). This variant has not been reported in the literature in individuals affected with BRIP1-related conditions. ClinVar contains an entry for this variant (Variation ID: 1792677). Invitae Evidence Modeling of protein sequence and biophysical properties (such as structural, functional, and spatial information, amino acid conservation, physicochemical variation, residue mobility, and thermodynamic stability) indicates that this missense variant is not expected to disrupt BRIP1 protein function with a negative predictive value of 95%. In summary, the available evidence is currently insufficient to determine the role of this variant in disease. Therefore, it has been classified as a Variant of Uncertain Significance.

Ambry Genetics
Classification: Uncertain significance for Hereditary cancer-predisposing syndrome. Last evaluated: 2023-06-28. Review status: criteria provided, single submitter. Criteria: Ambry Variant Classification Scheme 2023. Collection method: clinical testing. Allele origin: germline.
Comment: The p.L84F variant (also known as c.252G>T), located in coding exon 3 of the BRIP1 gene, results from a G to T substitution at nucleotide position 252. The leucine at codon 84 is replaced by phenylalanine, an amino acid with highly similar properties. This amino acid position is conserved. In addition, this alteration is predicted to be tolerated by in silico analysis. Since supporting evidence is limited at this time, the clinical significance of this alteration remains unclear.

NM_032043.3(BRIP1):c.252G>T (p.Leu84Phe)

Gene: BRIP1 (BRCA1 interacting DNA helicase 1; minus strand). Cytogenetic location: 17q23.2.
Variant type: single nucleotide variant.
Coding change: c.252G>T on transcript NM_032043.3 (MANE Select); coding-DNA position 252, G replaced by T.
Protein change: p.Leu84Phe; replaces leucine 84 with phenylalanine.
Molecular consequence: missense variant.
Genome position (GRCh38, 1-based): chr17:61,857,185, C>A on the plus strand (G>T on the coding strand, the complement: BRIP1 is on the minus strand). VCF-style: chr17-61857185-C-A. GRCh37 (hg19) VCF-style: chr17-59934546-C-A.
Other names: short protein forms L84F.
Identifiers: ClinVar variation 1792677 (VCV001792677.4), dbSNP rs2145830216, ClinGen allele CA400485529.
Genomic context (GRCh38, chr17:61,857,185, plus strand): 5'-AGTTCCTTGGTTCATGTCATTGTTTGTAAAATCCTTTGAATGGCATGCACAACAACATGA[C>A]AATTGTACTTCAGCTTTTTCACTTACGCCCTCATCTGCTGGTTTCCCTAAAAATGAAAGA-3'
Protein context (NP_114432.2, residues 74-94): EGVSEKAEVQ[Leu84Phe]SCCCACHSKD